The following is an entry in ClinVar:

ClinVar aggregate classification (germline): Uncertain significance (1 of 4 stars; one submission).

Conditions:
Noonan syndrome 9 (NS9). Identifiers: Orphanet 648, MedGen C4225282, MONDO:0014691, OMIM 616559.

Submission:

Labcorp Genetics (formerly Invitae), Labcorp
Classification: Uncertain significance for Noonan syndrome 9. Last evaluated: 2023-02-23. Review status: criteria provided, single submitter. Criteria: Invitae Variant Classification Sherloc (09022015). Collection method: clinical testing. Allele origin: germline.
Comment: This variant has not been reported in the literature in individuals affected with SOS2-related conditions. Advanced modeling of protein sequence and biophysical properties (such as structural, functional, and spatial information, amino acid conservation, physicochemical variation, residue mobility, and thermodynamic stability) performed at Invitae indicates that this missense variant is not expected to disrupt SOS2 protein function. In summary, the available evidence is currently insufficient to determine the role of this variant in disease. Therefore, it has been classified as a Variant of Uncertain Significance. This sequence change replaces alanine, which is neutral and non-polar, with valine, which is neutral and non-polar, at codon 88 of the SOS2 protein (p.Ala88Val). This variant is not present in population databases (gnomAD no frequency).

NM_006939.4(SOS2):c.263C>T (p.Ala88Val)

Gene: SOS2 (SOS Ras/Rho guanine nucleotide exchange factor 2; minus strand). Cytogenetic location: 14q21.3.
Variant type: single nucleotide variant.
Coding change: c.263C>T on transcript NM_006939.4 (MANE Select); coding-DNA position 263, C replaced by T.
Protein change: p.Ala88Val; replaces alanine 88 with valine.
Molecular consequence: missense variant.
Genome position (GRCh38, 1-based): chr14:50,201,035, G>A on the plus strand (C>T on the coding strand, the complement: SOS2 is on the minus strand). VCF-style: chr14-50201035-G-A. GRCh37 (hg19) VCF-style: chr14-50667753-G-A.
Other names: c.263C>T, p.Ala88Val (NM_001411020.1); short protein forms A88V.
Identifiers: ClinVar variation 2840273 (VCV002840273.3), dbSNP rs2503193558, ClinGen allele CA389650209.
Genomic context (GRCh38, chr14:50,201,035, plus strand): 5'-TCCACAGGCAGTAAAAGAGGATTTCTTCGTTTTCGTTTTTCTATAGCAGATTGTGCATCA[G>A]CAATGGCCCATTTATCAATTGGGTGAGGAAAGGTCTTCTGAACTCGCTCCTGCTCAATCA-3'
Protein context (NP_008870.2, residues 78-98): FPHPIDKWAI[Ala88Val]DAQSAIEKRK